The following is an entry in ClinVar:

NM_138576.4(BCL11B):c.2345C>A (p.Pro782Gln)

Gene: BCL11B (BCL11 transcription factor B; minus strand). Cytogenetic location: 14q32.2.
Variant type: single nucleotide variant.
Coding change: c.2345C>A on transcript NM_138576.4 (MANE Select); coding-DNA position 2345, C replaced by A.
Protein change: p.Pro782Gln; replaces proline 782 with glutamine.
Molecular consequence: missense variant.
Genome position (GRCh38, 1-based): chr14:99,174,491, G>T on the plus strand (C>A on the coding strand, the complement: BCL11B is on the minus strand). VCF-style: chr14-99174491-G-T. GRCh37 (hg19) VCF-style: chr14-99640828-G-T.
Other names: c.2342C>A, p.Pro781Gln (NM_001282237.2); c.2129C>A, p.Pro710Gln (NM_001282238.2); c.2132C>A, p.Pro711Gln (NM_022898.3); short protein forms P710Q, P711Q, P781Q, P782Q.
Identifiers: ClinVar variation 3899011 (VCV003899011.1).
Genomic context (GRCh38, chr14:99,174,491, plus strand): 5'-CCGCAGTACTCGCACGTGTCGCTGCGGCGGCCCTCCTTGGAGCTGGGCCGCCCGGGGCCC[G>T]GGCCGCCCAGGTGCGGGGTGCTGCCTCCGCTGGCCGTGCCGCTGCGGCCCGAGAGGCCGC-3'
Protein context (NP_612808.1, residues 772-792): SGGSTPHLGG[Pro782Gln]GPGRPSSKEG

ClinVar aggregate classification (germline): Uncertain significance (1 of 4 stars; one submission).

Submission:

GeneDx
Classification: Uncertain significance. Last evaluated: 2024-11-07. Review status: criteria provided, single submitter. Criteria: GeneDx Variant Classification Process June 2021. Collection method: clinical testing. Allele origin: germline. Affected: yes.
Comment: Not observed at significant frequency in large population cohorts (gnomAD); In silico analysis supports that this missense variant has a deleterious effect on protein structure/function; Has not been previously published as pathogenic or benign to our knowledge